The following is an entry in ClinVar:

NM_002471.4(MYH6):c.2483A>G (p.Asn828Ser)

Gene: MYH6 (myosin heavy chain 6; minus strand). Cytogenetic location: 14q11.2.
Variant type: single nucleotide variant.
Coding change: c.2483A>G on transcript NM_002471.4 (MANE Select); coding-DNA position 2483, A replaced by G.
Protein change: p.Asn828Ser; replaces asparagine 828 with serine.
Molecular consequence: missense variant.
Genome position (GRCh38, 1-based): chr14:23,394,270, T>C on the plus strand (A>G on the coding strand, the complement: MYH6 is on the minus strand). VCF-style: chr14-23394270-T-C. GRCh37 (hg19) VCF-style: chr14-23863479-T-C.
Other names: short protein forms N828S.
Identifiers: ClinVar variation 3338386 (VCV003338386.2).

ClinVar aggregate classification (germline): Uncertain significance. Review status: criteria provided, multiple submitters, no conflicts (2 of 4 stars). 2 submissions from 2 submitters: Uncertain significance (2). Last evaluated 2026-07-09.

Conditions:
Dilated cardiomyopathy 1EE (CMD1EE). Identifiers: Orphanet 154, MedGen C2750466, MONDO:0013198, OMIM 613252.
Cardiovascular phenotype. Identifiers: MedGen CN230736.

gnomAD v4.1: 8 of 1,614,094 alleles (0.0005%); highest among the groups gnomAD compares: Middle Eastern, 0.016%; no homozygotes.

Submissions (2):

Ambry Genetics
Classification: Uncertain significance for Cardiovascular phenotype. Last evaluated: 2026-07-09. Review status: criteria provided, single submitter. Criteria: Ambry Variant Classification Scheme 2023. Collection method: clinical testing. Allele origin: germline.
Comment: The p.N828S variant (also known as c.2483A>G), located in coding exon 19 of the MYH6 gene, results from an A to G substitution at nucleotide position 2483. The asparagine at codon 828 is replaced by serine, an amino acid with highly similar properties. This amino acid position is conserved. In addition, this alteration is predicted to be tolerated by in silico analysis. Based on the available evidence, the clinical significance of this variant remains unclear.

MVZ Medizinische Genetik Mainz
Classification: Uncertain significance for Dilated cardiomyopathy 1EE. Last evaluated: 2024-07-26. Review status: criteria provided, single submitter. Criteria: UK Practice Guidelines For Variant Classification V4 01 2020. Collection method: clinical testing. Allele origin: germline. Inheritance: Autosomal dominant inheritance. Affected: yes. Observed: 1 variant allele.
Comment: ACMG Criteria: PM2_SUP